The following is an entry in ClinVar:

ClinVar aggregate classification (germline): Likely pathogenic (1 of 4 stars; one submission).

Conditions:
ADNP-related multiple congenital anomalies - intellectual disability - autism spectrum disorder. Also called: Helsmoortel-Van der Aa Syndrome; ADNP-Related Helsmoortel-Van der Aa Syndrome. Identifiers: Orphanet 404448, MedGen C4014538, MONDO:0014379, OMIM 615873. Disease mechanism: loss of function.

Submission:

Institute of Human Genetics, University of Leipzig Medical Center
Classification: Likely pathogenic for ADNP-related multiple congenital anomalies - intellectual disability - autism spectrum disorder. Last evaluated: 2022-05-06. Review status: criteria provided, single submitter. Criteria: ACMG Guidelines, 2015. Collection method: clinical testing. Allele origin: unknown. Affected: yes.
Comment: _x000D_ Criteria applied: PVS1, PM2_SUP

NM_001282531.3(ADNP):c.2089dup (p.Gln697fs)

Gene: ADNP (activity dependent neuroprotector homeobox; minus strand). Cytogenetic location: 20q13.13.
Variant type: Duplication.
Coding change: c.2089dup on transcript NM_001282531.3 (MANE Select); coding-DNA position 2089, one base duplicated (C; older notation c.2089dupC).
Protein change: p.Gln697fs; shifts the reading frame from glutamine 697.
Molecular consequence: frameshift variant.
Genome position (GRCh38, 1-based): chr20:50,892,625, G duplicated on the plus strand (C on the coding strand, the reverse complement: ADNP is on the minus strand); the first of 2 consecutive G bases (chr20:50,892,625-50,892,626); duplicating either gives the same sequence. VCF-style (leftmost placement, unchanged base first): chr20-50892624-T-TG. GRCh37 (hg19) VCF-style: chr20-49509161-T-TG.
Other names: c.2089dup, p.Gln697fs (NM_001282532.2, NM_001347511.2, NM_015339.5 and 1 more transcripts); short protein forms Q697fs.
Identifiers: ClinVar variation 1691844 (VCV001691844.1), dbSNP rs2122747616, ClinGen allele CA2573157172.
Genomic context (GRCh38, chr20:50,892,624, plus strand): 5'-CGCTTCACAGGTGCCAGACTTGGAGACTGATTAAGCCGAGAGGGTGCATTTGTCTTATCC[T>TG]GGCCATTTTGGGTCTTTCCAACGCCCCTGCAGTGAACTAGATGCAGAGTGATAGTTGAGG-3'